The following is an entry in ClinVar:

ClinVar aggregate classification (germline): Benign (1 of 4 stars; one submission).

Conditions:
Anemia, congenital dyserythropoietic, type IVa. Also called: Congenital dyserythropoietic anemia type 4; Congenital dyserythropoietic anemia, type IV; CDA, TYPE IVa. Identifiers: Orphanet 293825, MedGen C3150926, MONDO:0013355, OMIM 613673.

Allele frequency attached by ClinVar (database versions not stated): gnomAD exomes 0.00043 and 0.00013; ExAC 0.00055; gnomAD 0.00163 and 0.00172; ESP Exome Variant Server 0.00185; TOPMed 0.00172; 1000 Genomes Project 0.00140; 1000 Genomes Project 30x 0.00203.

Submission:

Illumina Laboratory Services, Illumina
Classification: Benign for Anemia, congenital dyserythropoietic, type IVa. Last evaluated: 2018-01-13. Review status: criteria provided, single submitter. Criteria: ICSL Variant Classification Criteria 13 December 2019. Collection method: clinical testing. Allele origin: germline.
Comment: This variant was observed in the ICSL laboratory as part of a predisposition screen in an ostensibly healthy population. It had not been previously curated by ICSL or reported in the Human Gene Mutation Database (HGMD: prior to June 1st, 2018), and was therefore a candidate for classification through an automated scoring system. Utilizing variant allele frequency, disease prevalence and penetrance estimates, and inheritance mode, an automated score was calculated to assess if this variant is too frequent to cause the disease. Based on the score and internal cut-off values, a variant classified as benign is not then subjected to further curation. The score for this variant resulted in a classification of benign for this disease.

NM_006563.5(KLF1):c.*22T>A

Gene: KLF1 (KLF transcription factor 1; minus strand). Cytogenetic location: 19p13.13.
Variant type: single nucleotide variant.
Coding change: c.*22T>A on transcript NM_006563.5 (MANE Select); 22 bases downstream of the stop codon, T replaced by A.
Molecular consequence: 3 prime UTR variant.
Genome position (GRCh38, 1-based): chr19:12,884,863, A>T on the plus strand (T>A on the coding strand, the complement: KLF1 is on the minus strand). VCF-style: chr19-12884863-A-T. GRCh37 (hg19) VCF-style: chr19-12995677-A-T.
Identifiers: ClinVar variation 328312 (VCV000328312.5), dbSNP rs149022596, ClinGen allele CA9233930.